The following is an entry in ClinVar:

ClinVar aggregate classification (germline): Uncertain significance (1 of 4 stars; one submission).

Conditions:
Exercise-induced hyperinsulinism (HHF7). Identifiers: Orphanet 165991, MedGen C1864902, MONDO:0012396, OMIM 610021.

Allele frequency attached by ClinVar (database versions not stated): gnomAD exomes below 0.00001; gnomAD 0.00001.
gnomAD v4.1: 3 of 1,614,084 alleles (0.00019%); highest among the groups gnomAD compares: Non-Finnish European, 0.00025%; no homozygotes.

Submission:

Institute of Human Genetics, University of Leipzig Medical Center
Classification: Uncertain significance for Exercise-induced hyperinsulinism. Last evaluated: 2022-10-05. Review status: criteria provided, single submitter. Criteria: ACMG Guidelines, 2015. Collection method: clinical testing. Allele origin: unknown. Affected: yes.
Comment: _x000D_ Criteria applied: PM2_SUP, PP3

NM_003051.4(SLC16A1):c.785G>C (p.Gly262Ala)

Gene: SLC16A1 (solute carrier family 16 member 1; minus strand). Cytogenetic location: 1p13.2.
Variant type: single nucleotide variant.
Coding change: c.785G>C on transcript NM_003051.4 (MANE Select); coding-DNA position 785, G replaced by C.
Protein change: p.Gly262Ala; replaces glycine 262 with alanine.
Molecular consequence: missense variant.
Genome position (GRCh38, 1-based): chr1:112,917,621, C>G on the plus strand (G>C on the coding strand, the complement: SLC16A1 is on the minus strand). VCF-style: chr1-112917621-C-G. GRCh37 (hg19) VCF-style: chr1-113460243-C-G.
Other names: c.785G>C, p.Gly262Ala (NM_001166496.2); short protein forms G262A.
Identifiers: ClinVar variation 1712344 (VCV001712344.1), dbSNP rs1292102252, ClinGen allele CA341828221.